The following is an entry in ClinVar:

ClinVar aggregate classification (germline): Pathogenic/Likely pathogenic. Review status: criteria provided, multiple submitters, no conflicts (2 of 4 stars). 5 submissions from 5 submitters: Pathogenic (2); Likely pathogenic (3). Last evaluated 2025-05-07.

Conditions:
Fanconi anemia complementation group P. Also called: SLX4-Related Fanconi Anemia. Identifiers: Orphanet 84, MedGen C3469542, MONDO:0013499, OMIM 613951.
Fanconi anemia (FA). Also called: Fanconi's anemia. Identifiers: Orphanet 84, MedGen C0015625, MeSH D005199, MONDO:0019391.

Allele frequency attached by ClinVar (database versions not stated): gnomAD 0.00001; gnomAD exomes 0.00002 and 0.00003; TOPMed 0.00002; ExAC 0.00004.
gnomAD v4.1: 43 of 1,613,616 alleles (0.0027%); highest among the groups gnomAD compares: South Asian, 0.0055%; no homozygotes.

Submissions (5):

Labcorp Genetics (formerly Invitae), Labcorp
Classification: Pathogenic for Fanconi anemia. Last evaluated: 2025-05-07. Review status: criteria provided, single submitter. Criteria: Invitae Variant Classification Sherloc (09022015). Collection method: clinical testing. Allele origin: germline.
Comment: This sequence change creates a premature translational stop signal (p.Arg713*) in the SLX4 gene. It is expected to result in an absent or disrupted protein product. Loss-of-function variants in SLX4 are known to be pathogenic (PMID: 21240277). This variant is present in population databases (rs760126773, gnomAD 0.007%). This variant has not been reported in the literature in individuals affected with SLX4-related conditions. ClinVar contains an entry for this variant (Variation ID: 526348). For these reasons, this variant has been classified as Pathogenic.

Revvity Omics, Revvity
Classification: Likely pathogenic for Fanconi anemia complementation group P. Last evaluated: 2023-12-27. Review status: criteria provided, single submitter. Criteria: ACMG Guidelines, 2015. Collection method: clinical testing. Allele origin: germline.

GeneDx
Classification: Likely pathogenic. Last evaluated: 2022-08-15. Review status: criteria provided, single submitter. Criteria: GeneDx Variant Classification Process June 2021. Collection method: clinical testing. Allele origin: germline. Affected: yes.
Comment: Nonsense variant predicted to result in protein truncation or nonsense mediated decay in a gene for which loss of function is a known mechanism of disease; Observed in 1/5951 cases and 1/6115 controls in an ovarian cancer study (Song et al., 2021); This variant is associated with the following publications: (PMID: 26689913, 32546565)

Center for Genomics, Ann and Robert H. Lurie Children's Hospital of Chicago
Classification: Likely pathogenic for Fanconi anemia complementation group P. Last evaluated: 2021-11-03. Review status: criteria provided, single submitter. Criteria: ACMG Guidelines, 2015. Collection method: clinical testing. Allele origin: germline.
Comment: SLX4 NM_032444.2 exon 10 p.Arg713* (c.2137C>T): This variant has not been reported in the literature is association with SLX4-related disease, but is present in 0.001% (1/68026) of European alleles in the Genome Aggregation Database. Please note, disease causing variants may be present in control databases at low frequencies, reflective of the general population, carrier status, and/or variable expressivity. This variant is present in ClinVar (Variation ID:526348). Evolutionary conservation and computational predictive tools for this variant are limited or unavailable. This variant creates a premature stop at this codon which results in an absent or abnormal protein. Loss of function variants have been reported in association with disease for this gene (Stoepker 2011 PMID:21240277). In summary, data on this variant is highly suspicious for disease, but requires further evidence for pathogenicity. Therefore, this variant is classified as likely pathogenic.

Baylor Genetics
Classification: Pathogenic for Fanconi anemia complementation group P. Last evaluated: 2021-07-23. Review status: criteria provided, single submitter. Criteria: ACMG Guidelines, 2015. Collection method: clinical testing. Allele origin: paternal. Affected: yes. Study: CSER-TexasKidsCanSeq.
Comment: This variant was determined to be pathogenic according to ACMG Guidelines, 2015 [PMID:25741868].

Literature cited by the submitters: PubMed 21240277 (cited by Labcorp Genetics (formerly Invitae), Labcorp).

NM_032444.4(SLX4):c.2137C>T (p.Arg713Ter)

Gene: SLX4 (SLX4 structure-specific endonuclease subunit; minus strand). Cytogenetic location: 16p13.3.
Variant type: single nucleotide variant.
Coding change: c.2137C>T on transcript NM_032444.4 (MANE Select); coding-DNA position 2137, C replaced by T.
Protein change: p.Arg713Ter; replaces arginine 713 with a stop codon.
Molecular consequence: nonsense.
Genome position (GRCh38, 1-based): chr16:3,594,476, G>A on the plus strand (C>T on the coding strand, the complement: SLX4 is on the minus strand). VCF-style: chr16-3594476-G-A. GRCh37 (hg19) VCF-style: chr16-3644477-G-A.
Other names: c.2137C>T (LRG_503t1); short protein forms R713*.
Identifiers: ClinVar variation 526348 (VCV000526348.10), dbSNP rs760126773, ClinGen allele CA7866283.